The following is an entry in ClinVar:

ClinVar aggregate classification (germline): Uncertain significance (1 of 4 stars; one submission).

Submission:

Women's Health and Genetics/Laboratory Corporation of America, LabCorp
Classification: Uncertain significance. Last evaluated: 2025-10-30. Review status: criteria provided, single submitter. Criteria: LabCorp Variant Classification Summary - May 2015. Collection method: clinical testing. Allele origin: germline.
Comment: Variant summary: AP5Z1 c.1909_1910delTG (p.Cys637GlnfsX125) results in a premature termination codon, predicted to cause a truncation of the encoded protein that is not anticipated to result in nonsense mediated decay, and no similar downtream Likely Pathogenic/Pathogenic variants have been reported. The variant was absent in 248332 control chromosomes. The available data on variant occurrences in the general population are insufficient to allow any conclusion about variant significance. To our knowledge, no occurrence of c.1909_1910delTG in individuals affected with AP5Z1-related conditions and no experimental evidence demonstrating its impact on protein function have been reported. No submitters have cited clinical-significance assessments for this variant to ClinVar. Based on the evidence outlined above, the variant was classified as uncertain significance.

NM_014855.3(AP5Z1):c.1909_1910del (p.Cys637fs)

Gene: AP5Z1 (adaptor related protein complex 5 subunit zeta 1; plus strand). Cytogenetic location: 7p22.1.
Variant type: Deletion.
Coding change: c.1909_1910del on transcript NM_014855.3 (MANE Select); coding-DNA positions 1909 to 1910, 2 bases deleted (TG; older notation c.1909_1910delTG).
Protein change: p.Cys637fs; shifts the reading frame from cysteine 637.
Molecular consequence: frameshift variant. On other transcripts: non-coding transcript variant (1).
Genome position (GRCh38, 1-based): chr7:4,790,562-4,790,563, TG deleted. VCF-style (leftmost placement, unchanged base first): chr7-4790561-CTG-C. GRCh37 (hg19) VCF-style: chr7-4830192-CTG-C.
Other names: c.1909_1910delTG (NM_014855.3); c.1441_1442del, p.Cys481fs (NM_001364858.1); short protein forms C481fs, C637fs.
Identifiers: ClinVar variation 4687822 (VCV004687822.1).